The following is an entry in ClinVar:

ClinVar aggregate classification (germline): Uncertain significance. Review status: criteria provided, multiple submitters, no conflicts (2 of 4 stars). 2 submissions from 2 submitters: Uncertain significance (2). Last evaluated 2022-05-27.

Allele frequency attached by ClinVar (database versions not stated): gnomAD exomes below 0.00001; ExAC 0.00001; gnomAD 0.00001; TOPMed 0.00002; ESP Exome Variant Server 0.00009.
gnomAD v4.1: 5 of 1,208,018 alleles (0.00041%); highest among the groups gnomAD compares: South Asian, 0.0035%; no homozygotes.

Submissions (2):

Clinical Genetics Laboratory, Skane University Hospital Lund
Classification: Uncertain significance. Last evaluated: 2022-05-27. Review status: criteria provided, single submitter. Criteria: ACMG Guidelines, 2015. Collection method: clinical testing. Allele origin: germline. Affected: yes.

GeneDx
Classification: Uncertain significance. Last evaluated: 2017-08-14. Review status: criteria provided, single submitter. Criteria: GeneDx Variant Classification (06012015). Collection method: clinical testing. Allele origin: germline. Affected: yes.
Comment: The V908M variant has not been published as a pathogenic variant, nor has it been reported as a benign variant to our knowledge. The V908M variant is not observed at a significant frequency in large population cohorts (Lek et al., 2016; 1000 Genomes Consortium et al., 2015; Exome Variant Server). The V908M variant is a conservative amino acid substitution, which is not likely to impact secondary protein structure as these residues share similar properties. However, this substitution occurs at a position that is conserved across species. In silico analysis is inconsistent in its predictions as to whether or not the variant is damaging to the protein structure/function. Therefore, based on the currently available information, it is unclear whether this variant is a pathogenic variant or a rare benign variant.

NM_001367721.1(CASK):c.2737G>A (p.Val913Met)

Genes: CASK (calcium/calmodulin dependent serine protein kinase; minus strand), CASK-AS1 (CASK antisense RNA 1; plus strand). Cytogenetic location: Xp11.4.
Variant type: single nucleotide variant.
Coding change: c.2737G>A on transcript NM_001367721.1 (MANE Select); coding-DNA position 2737, G replaced by A.
Protein change: p.Val913Met; replaces valine 913 with methionine.
Molecular consequence: missense variant.
Genome position (GRCh38, 1-based): chrX:41,520,464, C>T on the plus strand (G>A on the coding strand, the complement: CASK is on the minus strand). VCF-style: chrX-41520464-C-T. GRCh37 (hg19) VCF-style: chrX-41379717-C-T.
Other names: c.2653G>A, p.Val885Met (NM_001126054.3); c.2650G>A, p.Val884Met (NM_001126055.3); c.2719G>A, p.Val907Met (NM_001410745.1); c.2722G>A, p.Val908Met (NM_003688.4); short protein forms V908M, V884M, V885M, V913M, V907M.
Identifiers: ClinVar variation 451277 (VCV000451277.3), dbSNP rs374765049, ClinGen allele CA10389964.